The following is an entry in ClinVar:

ClinVar aggregate classification (germline): Uncertain significance. Review status: criteria provided, multiple submitters, no conflicts (2 of 4 stars). 2 submissions from 2 submitters: Uncertain significance (2). Last evaluated 2025-08-11.

Conditions:
Multiple gastrointestinal atresias. Also called: Multiple intestinal atresia; FAMILIAL INTESTINAL POLYATRESIA SYNDROME. Identifiers: Orphanet 2300, MedGen C0220744, MONDO:0009465.
Inborn genetic diseases. Identifiers: MedGen C0950123, MeSH D030342.

Allele frequency attached by ClinVar (database versions not stated): gnomAD 0.00003; TOPMed 0.00004.
gnomAD v4.1: 30 of 1,613,718 alleles (0.0019%); highest among the groups gnomAD compares: Middle Eastern, 0.017%; no homozygotes.

Submissions (2):

Ambry Genetics
Classification: Uncertain significance for Inborn genetic diseases. Last evaluated: 2025-08-11. Review status: criteria provided, single submitter. Criteria: Ambry Variant Classification Scheme 2023. Collection method: clinical testing. Allele origin: germline.

Labcorp Genetics (formerly Invitae), Labcorp
Classification: Uncertain significance for Multiple gastrointestinal atresias. Last evaluated: 2024-01-11. Review status: criteria provided, single submitter. Criteria: Invitae Variant Classification Sherloc (09022015). Collection method: clinical testing. Allele origin: germline.
Comment: This sequence change replaces arginine, which is basic and polar, with cysteine, which is neutral and slightly polar, at codon 178 of the TTC7A protein (p.Arg178Cys). The frequency data for this variant in the population databases is considered unreliable, as metrics indicate poor data quality at this position in the gnomAD database. This variant has not been reported in the literature in individuals affected with TTC7A-related conditions. Advanced modeling of protein sequence and biophysical properties (such as structural, functional, and spatial information, amino acid conservation, physicochemical variation, residue mobility, and thermodynamic stability) performed at Invitae indicates that this missense variant is expected to disrupt TTC7A protein function with a positive predictive value of 80%. In summary, the available evidence is currently insufficient to determine the role of this variant in disease. Therefore, it has been classified as a Variant of Uncertain Significance.

NM_020458.4(TTC7A):c.532C>T (p.Arg178Cys)

Genes: TTC7A (tetratricopeptide repeat domain 7A; plus strand), LOC126806211 (CDK7 strongly-dependent group 2 enhancer GRCh37_chr2:47201305-47202504; plus strand). Cytogenetic location: 2p21.
Variant type: single nucleotide variant.
Coding change: c.532C>T on transcript NM_020458.4 (MANE Select); coding-DNA position 532, C replaced by T.
Protein change: p.Arg178Cys; replaces arginine 178 with cysteine.
Molecular consequence: missense variant. On other transcripts: 5 prime UTR variant (1).
Genome position (GRCh38, 1-based): chr2:46,974,987, C>T. VCF-style: chr2-46974987-C-T. GRCh37 (hg19) VCF-style: chr2-47202126-C-T.
Other names: c.532C>T, p.Arg178Cys (NM_001288951.2); c.430C>T, p.Arg144Cys (NM_001288953.2); c.-373C>T (NM_001288955.2); c.532C>T (NM_020458.2); short protein forms R144C, R178C.
Identifiers: ClinVar variation 2890436 (VCV002890436.2), dbSNP rs889143520, ClinGen allele CA46630715.